The following is an entry in ClinVar:

ClinVar aggregate classification (germline): Uncertain significance (1 of 4 stars; one submission).

Conditions:
Fanconi anemia complementation group E (FANCE). Also called: FANCE-Related Fanconi Anemia. Identifiers: Orphanet 84, MedGen C3160739, MONDO:0010953, OMIM 600901.

Allele frequency attached by ClinVar (database versions not stated): gnomAD exomes below 0.00001.
gnomAD v4.1: 3 of 1,613,930 alleles (0.00019%); highest among the groups gnomAD compares: Non-Finnish European, 0.00025%; no homozygotes.

Submission:

Labcorp Genetics (formerly Invitae), Labcorp
Classification: Uncertain significance for Fanconi anemia complementation group E. Last evaluated: 2020-01-13. Review status: criteria provided, single submitter. Criteria: Invitae Variant Classification Sherloc (09022015). Collection method: clinical testing. Allele origin: germline.
Comment: In summary, the available evidence is currently insufficient to determine the role of this variant in disease. Therefore, it has been classified as a Variant of Uncertain Significance. Algorithms developed to predict the effect of missense changes on protein structure and function (SIFT, PolyPhen-2, Align-GVGD) all suggest that this variant is likely to be tolerated, but these predictions have not been confirmed by published functional studies and their clinical significance is uncertain. This variant has not been reported in the literature in individuals with FANCE-related conditions. This variant is not present in population databases (ExAC no frequency). This sequence change replaces glycine with aspartic acid at codon 411 of the FANCE protein (p.Gly411Asp). The glycine residue is moderately conserved and there is a moderate physicochemical difference between glycine and aspartic acid.

NM_021922.3(FANCE):c.1232G>A (p.Gly411Asp)

Gene: FANCE (FA complementation group E; plus strand). Cytogenetic location: 6p21.31.
Variant type: single nucleotide variant.
Coding change: c.1232G>A on transcript NM_021922.3 (MANE Select); coding-DNA position 1232, G replaced by A.
Protein change: p.Gly411Asp; replaces glycine 411 with aspartic acid.
Molecular consequence: missense variant.
Genome position (GRCh38, 1-based): chr6:35,459,449, G>A. VCF-style: chr6-35459449-G-A. GRCh37 (hg19) VCF-style: chr6-35427226-G-A.
Other names: short protein forms G411D.
Identifiers: ClinVar variation 1037981 (VCV001037981.8), dbSNP rs1767499219, ClinGen allele CA363776925.